The following is an entry in ClinVar:

ClinVar aggregate classification (germline): Likely benign. Review status: criteria provided, multiple submitters, no conflicts (2 of 4 stars). 4 submissions from 4 submitters: Likely benign (4). Last evaluated 2025-09-09.

Conditions:
Hereditary cancer-predisposing syndrome. Also called: Hereditary neoplastic syndrome; Hereditary Cancer Syndrome; Neoplastic Syndromes, Hereditary; Tumor predisposition. Identifiers: Orphanet 140162, MedGen C0027672, MeSH D009386, MONDO:0015356.
Familial adenomatous polyposis 2. Also called: MYH-associated polyposis; COLORECTAL ADENOMATOUS POLYPOSIS, AUTOSOMAL RECESSIVE; ADENOMAS, MULTIPLE COLORECTAL, AUTOSOMAL RECESSIVE; MUTYH-related attenuated familial adenomatous polyposis; Adenomas, multiple colorectal; FAP type 2. Identifiers: Orphanet 220460, Orphanet 247798, MedGen C3272841, MONDO:0012041, OMIM 608456.

Allele frequency attached by ClinVar (database versions not stated): gnomAD exomes 0.00001; ExAC 0.00002; ESP Exome Variant Server 0.00008.
gnomAD v4.1: 11 of 1,614,108 alleles (0.00068%); highest among the groups gnomAD compares: Non-Finnish European, 0.00076%; no homozygotes.

Submissions (4):

Labcorp Genetics (formerly Invitae), Labcorp
Classification: Likely benign for Familial adenomatous polyposis 2. Last evaluated: 2025-09-09. Review status: criteria provided, single submitter. Criteria: Invitae Variant Classification Sherloc (09022015). Collection method: clinical testing. Allele origin: germline.

All of Us Research Program, National Institutes of Health
Classification: Likely benign for Familial adenomatous polyposis 2. Last evaluated: 2023-04-28. Review status: criteria provided, single submitter. Criteria: ACMG Guidelines, 2015. Collection method: clinical testing. Allele origin: germline. Inheritance: Autosomal recessive inheritance. Observed: 1 variant allele, 1 heterozygote.
Comment: This study involves interpretation of variants in research participants for the purpose of population health screening. Participant phenotype was not available at the time of variant classification. Additional details can be found in publication PMID: 35346344, PMCID: PMC8962531

Color Diagnostics, LLC DBA Color Health
Classification: Likely benign for Hereditary cancer-predisposing syndrome. Last evaluated: 2018-03-24. Review status: criteria provided, single submitter. Criteria: ACMG Guidelines, 2015. Collection method: clinical testing. Allele origin: germline.

Ambry Genetics
Classification: Likely benign for Hereditary cancer-predisposing syndrome. Last evaluated: 2016-04-27. Review status: criteria provided, single submitter. Criteria: Ambry Variant Classification Scheme 2023. Collection method: clinical testing. Allele origin: germline.

NM_001048174.2(MUTYH):c.24G>C (p.Val8=)

Gene: MUTYH (mutY DNA glycosylase; minus strand). Cytogenetic location: 1p34.1.
Variant type: single nucleotide variant.
Coding change: c.24G>C on transcript NM_001048174.2 (MANE Select); coding-DNA position 24, G replaced by C.
Protein change: p.Val8=; no amino-acid change (valine 8 retained).
Molecular consequence: synonymous variant. On other transcripts: 5 prime UTR variant (4), non-coding transcript variant (2).
Genome position (GRCh38, 1-based): chr1:45,334,482, C>G on the plus strand (G>C on the coding strand, the complement: MUTYH is on the minus strand). VCF-style: chr1-45334482-C-G. GRCh37 (hg19) VCF-style: chr1-45800154-C-G.
Other names: c.24G>C, p.Val8= (NM_001048171.2, NM_001048172.2, NM_001048173.2 and 2 more transcripts); c.66G>C, p.Val22= (NM_001128425.2, NM_001293190.2, NM_012222.3); c.-189G>C (NM_001293192.2, NM_001293196.2); c.-248G>C (NM_001350650.2); c.-184G>C (NM_001350651.2).
Identifiers: ClinVar variation 483889 (VCV000483889.17), dbSNP rs370493415, ClinGen allele CA057394.